The following is an entry in ClinVar:

ClinVar aggregate classification (germline): Benign (1 of 4 stars; one submission).

Allele frequency attached by ClinVar (database versions not stated): 1000 Genomes Project 0.00280; 1000 Genomes Project 30x 0.00281; ESP Exome Variant Server 0.00700.
gnomAD v4.1: 13,792 of 1,610,706 alleles (0.86%); highest among the groups gnomAD compares: Non-Finnish European, 1.1%; 83 homozygotes.

Submission:

CeGaT Center for Human Genetics Tuebingen
Classification: Benign. Last evaluated: 2026-06-01. Review status: criteria provided, single submitter. Criteria: CeGaT Center For Human Genetics Tuebingen Variant Classification Criteria Version 2. Collection method: clinical testing. Allele origin: germline. Affected: yes. Observed: 2 variant alleles.
Comment: KRTAP10-8: BP4, BS1, BS2; TSPEAR: BS1, BS2

NM_198695.2(KRTAP10-8):c.394G>T (p.Val132Leu)

Genes: KRTAP10-8 (keratin associated protein 10-8; plus strand), TSPEAR (thrombospondin type laminin G domain and EAR repeats; minus strand). Cytogenetic location: 21q22.3.
Variant type: single nucleotide variant.
Coding change: c.394G>T on transcript NM_198695.2 (MANE Select); coding-DNA position 394, G replaced by T.
Protein change: p.Val132Leu; replaces valine 132 with leucine.
Molecular consequence: missense variant. On other transcripts: intron variant (2).
Genome position (GRCh38, 1-based): chr21:44,612,494, G>T. VCF-style: chr21-44612494-G-T. GRCh37 (hg19) VCF-style: chr21-46032411-G-T.
Other names: c.83-44489C>A (NM_144991.3); c.-122-44489C>A (NM_001272037.2); short protein forms V132L.
Identifiers: ClinVar variation 2571149 (VCV002571149.27), dbSNP rs117561023, ClinGen allele CA10059870.
Genomic context (GRCh38, chr21:44,612,494, plus strand): 5'-TCCCCCTGCCAACAGGCCTGCTGTGTGCCTGTGTGCTGCAAGTCCAACTGCTGCAAGCCC[G>T]TGTGCTGCGTGTCCATCTGCTCTGGAGCTTCCTCCCCATGCTGCCAGCAGTCTAGCTGCC-3'
Protein context (NP_941968.2, residues 122-142): VCCKSNCCKP[Val132Leu]CCVSICSGAS